The following is an entry in ClinVar:

NM_005148.4(UNC119):c.713G>A (p.Gly238Glu)

Gene: UNC119 (unc-119 lipid binding chaperone; minus strand). Cytogenetic location: 17q11.2.
Variant type: single nucleotide variant.
Coding change: c.713G>A on transcript NM_005148.4 (MANE Select); coding-DNA position 713, G replaced by A.
Protein change: p.Gly238Glu; replaces glycine 238 with glutamic acid.
Molecular consequence: missense variant. On other transcripts: 3 prime UTR variant (1).
Genome position (GRCh38, 1-based): chr17:28,547,307, C>T on the plus strand (G>A on the coding strand, the complement: UNC119 is on the minus strand). VCF-style: chr17-28547307-C-T. GRCh37 (hg19) VCF-style: chr17-26874325-C-T.
Other names: c.428G>A, p.Gly143Glu (NM_001330166.2); c.*317G>A (NM_054035.2); short protein forms G143E, G238E.
Identifiers: ClinVar variation 2793578 (VCV002793578.3), dbSNP rs2070216960, ClinGen allele CA398328048.

ClinVar aggregate classification (germline): Uncertain significance (1 of 4 stars; one submission).

Allele frequency attached by ClinVar (database versions not stated): gnomAD exomes below 0.00001; gnomAD 0.00001.
gnomAD v4.1: 5 of 1,613,966 alleles (0.00031%); highest among the groups gnomAD compares: South Asian, 0.0055%; no homozygotes.

Submission:

Labcorp Genetics (formerly Invitae), Labcorp
Classification: Uncertain significance. Last evaluated: 2022-12-26. Review status: criteria provided, single submitter. Criteria: Invitae Variant Classification Sherloc (09022015). Collection method: clinical testing. Allele origin: germline.
Comment: In summary, the available evidence is currently insufficient to determine the role of this variant in disease. Therefore, it has been classified as a Variant of Uncertain Significance. Algorithms developed to predict the effect of missense changes on protein structure and function are either unavailable or do not agree on the potential impact of this missense change (SIFT: "Not Available"; PolyPhen-2: "Probably Damaging"; Align-GVGD: "Not Available"). This variant has not been reported in the literature in individuals affected with UNC119-related conditions. This variant is not present in population databases (gnomAD no frequency). This sequence change replaces glycine, which is neutral and non-polar, with glutamic acid, which is acidic and polar, at codon 238 of the UNC119 protein (p.Gly238Glu).